The following is an entry in ClinVar:

NM_017612.5(ZCCHC8):c.588A>T (p.Glu196Asp)

Gene: ZCCHC8 (zinc finger CCHC-type containing 8; minus strand). Cytogenetic location: 12q24.31.
Variant type: single nucleotide variant.
Coding change: c.588A>T on transcript NM_017612.5 (MANE Select); coding-DNA position 588, A replaced by T.
Protein change: p.Glu196Asp; replaces glutamic acid 196 with aspartic acid.
Molecular consequence: missense variant. On other transcripts: intron variant (3).
Genome position (GRCh38, 1-based): chr12:122,483,477, T>A on the plus strand (A>T on the coding strand, the complement: ZCCHC8 is on the minus strand). VCF-style: chr12-122483477-T-A. GRCh37 (hg19) VCF-style: chr12-122968024-T-A.
Other names: c.291A>T, p.Glu97Asp (NM_001350936.2); c.-43-782A>T (NM_001350938.2, NM_001350937.2); c.502-1390A>T (NM_001350935.2); short protein forms E97D, E196D.
Identifiers: ClinVar variation 2793974 (VCV002793974.3), dbSNP rs2547206645, ClinGen allele CA482208554.

ClinVar aggregate classification (germline): Uncertain significance (1 of 4 stars; one submission).

Allele frequency attached by ClinVar (database versions not stated): gnomAD exomes 0.00002.
gnomAD v4.1: 21 of 1,593,590 alleles (0.0013%); highest among the groups gnomAD compares: Non-Finnish European, 0.0018%; no homozygotes.

Submission:

Labcorp Genetics (formerly Invitae), Labcorp
Classification: Uncertain significance. Last evaluated: 2022-10-29. Review status: criteria provided, single submitter. Criteria: Invitae Variant Classification Sherloc (09022015). Collection method: clinical testing. Allele origin: germline.
Comment: In summary, the available evidence is currently insufficient to determine the role of this variant in disease. Therefore, it has been classified as a Variant of Uncertain Significance. Advanced modeling of protein sequence and biophysical properties (such as structural, functional, and spatial information, amino acid conservation, physicochemical variation, residue mobility, and thermodynamic stability) performed at Invitae indicates that this missense variant is not expected to disrupt ZCCHC8 protein function. This variant has not been reported in the literature in individuals affected with ZCCHC8-related conditions. This variant is not present in population databases (gnomAD no frequency). This sequence change replaces glutamic acid, which is acidic and polar, with aspartic acid, which is acidic and polar, at codon 196 of the ZCCHC8 protein (p.Glu196Asp).